The following is an entry in ClinVar:

NM_001135556.2(DYNC1I1):c.1834C>T (p.Arg612Cys)

Genes: DYNC1I1 (dynein cytoplasmic 1 intermediate chain 1; plus strand), LOC110121293 (eExon 17 DLX5/6 limb enhancer; plus strand). Cytogenetic location: 7q21.3.
Variant type: single nucleotide variant.
Coding change: c.1834C>T on transcript NM_001135556.2 (MANE Select); coding-DNA position 1834, C replaced by T.
Protein change: p.Arg612Cys; replaces arginine 612 with cysteine.
Molecular consequence: missense variant. On other transcripts: intron variant (1).
Genome position (GRCh38, 1-based): chr7:96,097,540, C>T. VCF-style: chr7-96097540-C-T. GRCh37 (hg19) VCF-style: chr7-95726852-C-T.
Other names: c.1774C>T, p.Arg592Cys (NM_001135557.2); c.1825C>T, p.Arg609Cys (NM_001278421.2); c.1885C>T, p.Arg629Cys (NM_004411.5); c.1717-12439C>T (NM_001278422.2); short protein forms R592C, R609C, R612C, R629C.
Identifiers: ClinVar variation 4806578 (VCV004806578.1).
Genomic context (GRCh38, chr7:96,097,540, plus strand): 5'-CAGCTTGCAGTTCCCCACAATGATGAATGGACCCGATTTGCCAGGACCCTTGTGGAAATT[C>T]GTGCTAACAGAGCTGATAGCGAGGAGGAAGGCACTGTTGAGTTATCTGCCTAGTGGAAAT-3'
Protein context (NP_001129028.1, residues 602-622): TRFARTLVEI[Arg612Cys]ANRADSEEEG

ClinVar aggregate classification (germline): Uncertain significance (1 of 4 stars; one submission).

gnomAD v4.1: 2 of 1,613,772 alleles (0.00012%); highest among the groups gnomAD compares: Non-Finnish European, 0.00017%; no homozygotes.

Submission:

Labcorp Genetics (formerly Invitae), Labcorp
Classification: Uncertain significance. Last evaluated: 2025-02-20. Review status: criteria provided, single submitter. Criteria: Invitae Variant Classification Sherloc (09022015). Collection method: clinical testing. Allele origin: germline.
Comment: This sequence change replaces arginine, which is basic and polar, with cysteine, which is neutral and slightly polar, at codon 629 of the DYNC1I1 protein (p.Arg629Cys). This variant is not present in population databases (gnomAD no frequency). This variant has not been reported in the literature in individuals affected with DYNC1I1-related conditions. An algorithm developed to predict the effect of missense changes on protein structure and function (PolyPhen-2) suggests that this variant is likely to be disruptive. In summary, the available evidence is currently insufficient to determine the role of this variant in disease. Therefore, it has been classified as a Variant of Uncertain Significance.